The following is an entry in ClinVar:

NM_007294.4(BRCA1):c.97G>C (p.Glu33Gln)

Gene: BRCA1 (BRCA1 DNA repair associated; minus strand). Cytogenetic location: 17q21.31.
Variant type: single nucleotide variant.
Coding change: c.97G>C on transcript NM_007294.4 (MANE Select); coding-DNA position 97, G replaced by C.
Protein change: p.Glu33Gln; replaces glutamic acid 33 with glutamine.
Molecular consequence: missense variant. On other transcripts: non-coding transcript variant (1), intron variant (1).
Genome position (GRCh38, 1-based): chr17:43,115,763, C>G on the plus strand (G>C on the coding strand, the complement: BRCA1 is on the minus strand). VCF-style: chr17-43115763-C-G. GRCh37 (hg19) VCF-style: chr17-41267780-C-G.
Other names: c.-92G>C (NM_001407571.1, NM_001407853.1, NM_001407879.1 and 52 more transcripts); c.97G>C, p.Glu33Gln (NM_001407581.1, NM_001407582.1, NM_001407583.1 and 192 more transcripts); c.-161G>C (NM_001407694.1, NM_001407696.1, NM_001407724.1 and 13 more transcripts); c.-165G>C (NM_001407695.1, NM_001408465.1); c.-45G>C (NM_001407697.1, NM_001407725.1, NM_001407728.1 and 47 more transcripts); c.-41G>C (NM_001407841.1); c.-208G>C (NM_001407889.1, NM_001407900.1, NM_001408492.1); c.-207G>C (NM_001407960.1, NM_001407962.1, NM_001408510.1 and 1 more transcripts); and 2 more; short protein forms E33Q.
Identifiers: ClinVar variation 55769 (VCV000055769.24), dbSNP rs80357066, ClinGen allele CA003993.
Genomic context (GRCh38, chr17:43,115,763, plus strand): 5'-CCACATAACACATTCAAACTTACTTGCAAAATATGTGGTCACACTTTGTGGAGACAGGTT[C>G]CTTGATCAACTCCAGACTAGCAGGGTAGGGGGGGAGAAAAAGAAAATAAATGAGGCTCAA-3'
Protein context (NP_009225.1, residues 23-43): ECPICLELIK[Glu33Gln]PVSTKCDHIF

ClinVar aggregate classification (germline): Conflicting classifications of pathogenicity. Review status: criteria provided, conflicting classifications (1 of 4 stars). 10 submissions from 10 submitters: Uncertain significance (6); Likely benign (1). 3 of the submissions do not count toward it. Last evaluated 2025-07-30.

Conditions:
Breast and/or ovarian cancer. Identifiers: MedGen CN221562.
Hereditary cancer-predisposing syndrome. Also called: Hereditary Cancer Syndrome; Hereditary neoplastic syndrome; Neoplastic Syndromes, Hereditary; Tumor predisposition. Identifiers: Orphanet 140162, MedGen C0027672, MeSH D009386, MONDO:0015356.
Breast-ovarian cancer, familial, susceptibility to, 1 (BROVCA1). Also called: BRCA1 Hereditary Breast and Ovarian Cancer; OVARIAN CANCER, SUSCEPTIBILITY TO. Identifiers: Orphanet 145, MedGen C2676676, MONDO:0011450, OMIM 604370. Disease mechanism: loss of function.
Malignant tumor of breast. Also called: Cancer breast; Malignant breast neoplasm. Identifiers: MedGen C0006142, MONDO:0007254. Disease mechanism: loss of function.
BRCA1-related cancer predisposition. Identifiers: MedGen CN377757, MONDO:0700268.
Hereditary breast ovarian cancer syndrome. Also called: BRCA1- and BRCA2-Associated Hereditary Breast and Ovarian Cancer; Hereditary breast and ovarian cancer syndrome; Hereditary breast and ovarian cancer syndrome (HBOC); Breast and ovarian cancer; Hereditary breast and/or ovarian cancer syndrome; Hereditary breast and ovarian cancer. Identifiers: Orphanet 145, MedGen C0677776, MeSH D061325, MONDO:0003582. Disease mechanism: loss of function.

Submissions (11):

Labcorp Genetics (formerly Invitae), Labcorp
Classification: Uncertain significance for Hereditary breast ovarian cancer syndrome. Last evaluated: 2025-07-30. Review status: criteria provided, single submitter. Criteria: Invitae Variant Classification Sherloc (09022015). Collection method: clinical testing. Allele origin: germline.
Comment: This sequence change replaces glutamic acid, which is acidic and polar, with glutamine, which is neutral and polar, at codon 33 of the BRCA1 protein (p.Glu33Gln). This variant is not present in population databases (gnomAD no frequency). This variant has not been reported in the literature in individuals affected with BRCA1-related conditions. ClinVar contains an entry for this variant (Variation ID: 55769). Invitae Evidence Modeling incorporating data from in vitro experimental studies (PMID: 30209399) indicates that this missense variant is not expected to disrupt BRCA1 function with a negative predictive value of 95%. Experimental studies are conflicting or provide insufficient evidence to determine the effect of this variant on BRCA1 function (PMID: 25823446, 30209399). In summary, the available evidence is currently insufficient to determine the role of this variant in disease. Therefore, it has been classified as a Variant of Uncertain Significance.

All of Us Research Program, National Institutes of Health
Classification: Uncertain significance for BRCA1-related cancer predisposition. Last evaluated: 2024-03-05. Review status: criteria provided, single submitter. Criteria: ACMG Guidelines, 2015. Collection method: clinical testing. Allele origin: germline. Inheritance: Autosomal dominant inheritance. Observed: 1 variant allele, 1 heterozygote.
Comment: This study involves interpretation of variants in research participants for the purpose of population health screening. Participant phenotype was not available at the time of variant classification. Additional details can be found in publication PMID: 35346344, PMCID: PMC8962531

Blueprint Genetics
Classification: Uncertain significance. Last evaluated: 2024-01-11. Review status: criteria provided, single submitter. Criteria: ACMG Guidelines, 2015. Collection method: clinical testing. Allele origin: germline.

Color Diagnostics, LLC DBA Color Health
Classification: Uncertain significance for Hereditary cancer-predisposing syndrome. Last evaluated: 2023-02-21. Review status: criteria provided, single submitter. Criteria: ACMG Guidelines, 2015. Collection method: clinical testing. Allele origin: germline.
Comment: This missense variant replaces glutamic acid with glutamine at codon 33 of the BRCA1 protein. Computational prediction is inconclusive regarding the impact of this variant on protein structure and function (internally defined REVEL score threshold 0.5 < inconclusive < 0.7, PMID: 27666373). Functional studies have reported that this variant does not impact BRCA1 functions in a haploid cell proliferation assay and in a E3 ligase and a yeast two-hybrid BARD1 binding assays (PMID: 25823446, 30209399). A multifactorial analysis has reported likelihood ratios for pathogenicity of 1.0673 and 0.5995 based on co-occurrence and family history, respectively (PMID: 31131967). This variant has not been identified in the general population by the Genome Aggregation Database (gnomAD). The available evidence is insufficient to determine the role of this variant in disease conclusively. Therefore, this variant is classified as a Variant of Uncertain Significance.

GeneDx
Classification: Uncertain significance. Last evaluated: 2022-12-22. Review status: criteria provided, single submitter. Criteria: GeneDx Variant Classification Process June 2021. Collection method: clinical testing. Allele origin: germline. Affected: yes.
Comment: In silico analysis supports that this missense variant does not alter protein structure/function; Not observed at significant frequency in large population cohorts (gnomAD); Identified in patients referred for BRCA1/2 testing (Judkins et al., 2005); Also known as 216G>C; This variant is associated with the following publications: (PMID: 21147198, 10923033, 8944023, 16267036, 20104584, 24389207, 30209399)

Women's Health and Genetics/Laboratory Corporation of America, LabCorp
Classification: Uncertain significance. Last evaluated: 2022-08-04. Review status: criteria provided, single submitter. Criteria: LabCorp Variant Classification Summary - May 2015. Collection method: clinical testing. Allele origin: germline.
Comment: Variant summary: BRCA1 c.97G>C (p.Glu33Gln) results in a conservative amino acid change located in the Zinc finger, RING-type domain (IPR001841) of the encoded protein sequence. Three of five in-silico tools predict a damaging effect of the variant on protein function. The variant was absent in 250748 control chromosomes (gnomAD). The available data on variant occurrences in the general population are insufficient to allow any conclusion about variant significance. c.97G>C has been reported in the literature in a patient cohort referred to testing for Hereditary Breast And Ovarian Cancer Syndrome (Judkins_2005). This report does not provide unequivocal conclusions about association of the variant with Hereditary Breast And Ovarian Cancer Syndrome. At least one co-occurrence with another pathogenic variant has been reported in our lab (CHEK2 c.1283C>T, p.Ser428Phe), providing supporting evidence for a benign role. Two independent publications report experimental evidence evaluating the impact of the variant on protein function: Starita_2015 classified the variant as VUS after assaying for E3 ligase activity and BARD1 binding affinity, and Findlay_2018 classified the variant as functional after employing a haploid cell survival assay. Three ClinVar submitters have assessed the variant since 2014: all laboratories classified the variant as uncertain significance. Based on the evidence outlined above, the variant was classified as uncertain significance.

Ambry Genetics
Classification: Likely benign for Hereditary cancer-predisposing syndrome. Last evaluated: 2021-09-28. Review status: criteria provided, single submitter. Criteria: Ambry Variant Classification Scheme 2023. Collection method: clinical testing. Allele origin: germline.

Foulkes Cancer Genetics LDI, Lady Davis Institute for Medical Research
Classification: Uncertain significance for Breast and/or ovarian cancer. Last evaluated: 2014-01-22. Review status: no assertion criteria provided. Collection method: clinical testing. Allele origin: germline. Study: The Canadian Open Genetics Repository (COGR). Not counted in ClinVar's aggregate classification.

Breast Cancer Information Core (BIC) (BRCA1)
Classification: Uncertain significance for Breast-ovarian cancer, familial 1. Last evaluated: 2004-11-25. Review status: no assertion criteria provided. Collection method: clinical testing. Allele origin: germline. Affected: yes. Observed: 1 variant allele. Not counted in ClinVar's aggregate classification.

Brotman Baty Institute, University of Washington
No classification provided (evidence only). Condition: Breast-ovarian cancer, familial 1. Review status: no classification provided. Collection method: in vitro. Allele origin: not applicable. Functional consequence: functionally_normal. Not counted in ClinVar's aggregate classification.
ClinVar note: "not provided" was previously submitted as the classification for the variant. However, the classification appeared to be based only on an observation of functional data so it was converted to no classification on 2025-07-30.

Department of Pathology and Laboratory Medicine, Sinai Health System
Classification: Uncertain significance for Malignant tumor of breast. Review status: no assertion criteria provided. Collection method: clinical testing. Allele origin: unknown. Affected: yes. Study: The Canadian Open Genetics Repository (COGR). Not counted in ClinVar's aggregate classification.
Comment: The BRCA1 p.Glu33Gln variant was not identified in the literature nor was it identified in the Cosmic, MutDB, LOVD 3.0, UMD-LSDB, ARUP Laboratories, or Zhejiang Colon Cancer Database. The variant was identified in dbSNP (ID: rs80357066) as â€šÃ„ÃºWith Uncertain significance alleleâ€šÃ„Ã¹, ClinVar (as uncertain significance by BIC, COGR, GeneDx, and Invitae), Clinvitae (3x as uncertain signifiance), and BIC Database (1x as "unknown"). The variant was not identified in the following control databases: the 1000 Genomes Project, the NHLBI GO Exome Sequencing Project, the Exome Aggregation Consortium (August 8th 2016), or the Genome Aggregation Database (Feb 27, 2017).. The p.Glu33Gln residue is conserved in mammals and computational analyses (PolyPhen-2, SIFT, AlignGVGD, BLOSUM, MutationTaster) provide inconsistent predictions regarding the impact to the protein; this information is not very predictive of pathogenicity. The variant occurs outside of the splicing consensus sequence and in silico or computational prediction software programs (SpliceSiteFinder, MaxEntScan, NNSPLICE, GeneSplicer, HumanSpliceFinder) do not predict a difference in splicing. In summary, based on the above information the clinical significance of this variant cannot be determined with certainty at this time. This variant is classified as a variant of uncertain significance.

Literature cited by the submitters: PubMed 30209399 (cited by 4 submitters); PubMed 25823446 (cited by 4 submitters); PubMed 31131967 (cited by Color Diagnostics, LLC DBA Color Health); PubMed 16267036 (cited by Women's Health and Genetics/Laboratory Corporation of America, LabCorp and Ambry Genetics).